The following is an entry in ClinVar:

NM_001283009.2(RTEL1):c.2278G>C (p.Ala760Pro)

Genes: RTEL1 (regulator of telomere elongation helicase 1; plus strand), RTEL1-TNFRSF6B (RTEL1-TNFRSF6B readthrough (NMD candidate); plus strand). Cytogenetic location: 20q13.33.
Variant type: single nucleotide variant.
Coding change: c.2278G>C on transcript NM_001283009.2 (MANE Select); coding-DNA position 2278, G replaced by C.
Protein change: p.Ala760Pro; replaces alanine 760 with proline.
Molecular consequence: missense variant. On other transcripts: non-coding transcript variant (1).
Genome position (GRCh38, 1-based): chr20:63,690,306, G>C. VCF-style: chr20-63690306-G-C. GRCh37 (hg19) VCF-style: chr20-62321659-G-C.
Other names: c.1609G>C, p.Ala537Pro (NM_001283010.1); c.2278G>C, p.Ala760Pro (NM_016434.4); c.2350G>C, p.Ala784Pro (NM_032957.5); short protein forms A537P, A760P, A784P.
Identifiers: ClinVar variation 3762981 (VCV003762981.4).

ClinVar aggregate classification (germline): Uncertain significance. Review status: criteria provided, multiple submitters, no conflicts (2 of 4 stars). 3 submissions from 3 submitters: Uncertain significance (3). Last evaluated 2025-06-27.

Conditions:
Pulmonary fibrosis and/or bone marrow failure, Telomere-related, 3. Also called: PULMONARY FIBROSIS AND/OR BONE MARROW FAILURE SYNDROME, TELOMERE-RELATED, 3. Identifiers: Orphanet 2032, MedGen C4225346, MONDO:0014613, OMIM 616373.
Dyskeratosis congenita, autosomal recessive 5 (DKCB5). Identifiers: MedGen C3554656, MONDO:0014076, OMIM 615190.
Inborn genetic diseases. Identifiers: MedGen C0950123, MeSH D030342.

Submissions (3):

Labcorp Genetics (formerly Invitae), Labcorp
Classification: Uncertain significance for Dyskeratosis congenita, autosomal recessive 5; Pulmonary fibrosis and/or bone marrow failure, Telomere-related, 3. Last evaluated: 2025-06-27. Review status: criteria provided, single submitter. Criteria: Invitae Variant Classification Sherloc (09022015). Collection method: clinical testing. Allele origin: germline.
Comment: This sequence change replaces alanine, which is neutral and non-polar, with proline, which is neutral and non-polar, at codon 760 of the RTEL1 protein (p.Ala760Pro). This variant is not present in population databases (gnomAD no frequency). This variant has not been reported in the literature in individuals affected with RTEL1-related conditions. ClinVar contains an entry for this variant (Variation ID: 3762981). An algorithm developed to predict the effect of missense changes on protein structure and function (PolyPhen-2) suggests that this variant is likely to be tolerated. In summary, the available evidence is currently insufficient to determine the role of this variant in disease. Therefore, it has been classified as a Variant of Uncertain Significance.

Ambry Genetics
Classification: Uncertain significance for Inborn genetic diseases. Last evaluated: 2025-06-07. Review status: criteria provided, single submitter. Criteria: Ambry Variant Classification Scheme 2023. Collection method: clinical testing. Allele origin: germline.
Comment: The p.A760P variant (also known as c.2278G>C), located in coding exon 25 of the RTEL1 gene, results from a G to C substitution at nucleotide position 2278. The alanine at codon 760 is replaced by proline, an amino acid with highly similar properties. This amino acid position is conserved. In addition, this alteration is predicted to be tolerated by in silico analysis. Based on the available evidence, the clinical significance of this variant remains unclear.

Blueprint Genetics
Classification: Uncertain significance. Last evaluated: 2019-04-02. Review status: criteria provided, single submitter. Criteria: ACMG Guidelines, 2015. Collection method: clinical testing. Allele origin: germline.